The following is an entry in ClinVar:

ClinVar aggregate classification (germline): Likely benign. Review status: criteria provided, multiple submitters, no conflicts (2 of 4 stars). 6 submissions from 5 submitters: Likely benign (6). Last evaluated 2025-10-23.

Conditions:
Autosomal dominant nocturnal frontal lobe epilepsy 5. Also called: CILIARY DYSKINESIA, PRIMARY, 28, WITHOUT SITUS INVERSUS; CILIARY DYSKINESIA, PRIMARY, 28, WITH SITUS INVERSUS; KCNT1-Related Epilepsy; Epilepsy, nocturnal frontal lobe, 5. Identifiers: Orphanet 98784, MedGen C3554306, MONDO:0014002, OMIM 615005.
Developmental and epileptic encephalopathy, 14 (DEE14). Also called: Early infantile epileptic encephalopathy 14. Identifiers: Orphanet 293181, MedGen C3554195, MONDO:0013989, OMIM 614959.
Inborn genetic diseases. Identifiers: MedGen C0950123, MeSH D030342.

Allele frequency attached by ClinVar (database versions not stated): ExAC 0.00005; gnomAD 0.00006; TOPMed 0.00014.
gnomAD v4.1: 302 of 1,613,376 alleles (0.019%); highest among the groups gnomAD compares: Non-Finnish European, 0.024%; 1 homozygote.

Submissions (6):

Labcorp Genetics (formerly Invitae), Labcorp
Classification: Likely benign for Autosomal dominant nocturnal frontal lobe epilepsy 5; Developmental and epileptic encephalopathy, 14. Last evaluated: 2025-10-23. Review status: criteria provided, single submitter. Criteria: Invitae Variant Classification Sherloc (09022015). Collection method: clinical testing. Allele origin: germline.

CeGaT Center for Human Genetics Tuebingen
Classification: Likely benign. Last evaluated: 2024-12-01. Review status: criteria provided, single submitter. Criteria: CeGaT Center For Human Genetics Tuebingen Variant Classification Criteria Version 2. Collection method: clinical testing. Allele origin: germline. Affected: yes. Observed: 2 variant alleles.
Comment: KCNT1: BP4, BP7

Genome-Nilou Lab
Classification: Likely benign for Developmental and epileptic encephalopathy, 14. Last evaluated: 2022-03-15. Review status: criteria provided, single submitter. Criteria: ACMG Guidelines, 2015. Collection method: clinical testing. Allele origin: germline. Affected: no.

Genome-Nilou Lab
Classification: Likely benign for Autosomal dominant nocturnal frontal lobe epilepsy 5. Last evaluated: 2022-03-15. Review status: criteria provided, single submitter. Criteria: ACMG Guidelines, 2015. Collection method: clinical testing. Allele origin: germline. Affected: no.

GeneDx
Classification: Likely benign. Last evaluated: 2021-03-12. Review status: criteria provided, single submitter. Criteria: GeneDx Variant Classification Process June 2021. Collection method: clinical testing. Allele origin: germline. Affected: yes.

Ambry Genetics
Classification: Likely benign for Inborn genetic diseases. Last evaluated: 2017-10-10. Review status: criteria provided, single submitter. Criteria: Ambry Variant Classification Scheme 2023. Collection method: clinical testing. Allele origin: germline.

NM_020822.3(KCNT1):c.963G>A (p.Thr321=)

Gene: KCNT1 (potassium sodium-activated channel subfamily T member 1; plus strand). Cytogenetic location: 9q34.3.
Variant type: single nucleotide variant.
Coding change: c.963G>A on transcript NM_020822.3 (MANE Select); coding-DNA position 963, G replaced by A.
Protein change: p.Thr321=; no amino-acid change (threonine 321 retained).
Molecular consequence: synonymous variant.
Genome position (GRCh38, 1-based): chr9:135,759,787, G>A. VCF-style: chr9-135759787-G-A. GRCh37 (hg19) VCF-style: chr9-138651633-G-A.
Other names: c.828G>A, p.Thr276= (NM_001272003.2).
Identifiers: ClinVar variation 391114 (VCV000391114.40), dbSNP rs760300415, ClinGen allele CA5326714.